The following is an entry in ClinVar:

NM_003859.3(DPM1):c.171C>T (p.Asn57=)

Gene: DPM1 (dolichyl-phosphate mannosyltransferase subunit 1, catalytic; minus strand). Cytogenetic location: 20q13.13.
Variant type: single nucleotide variant.
Coding change: c.171C>T on transcript NM_003859.3 (MANE Select); coding-DNA position 171, C replaced by T.
Protein change: p.Asn57=; no amino-acid change (asparagine 57 retained).
Molecular consequence: synonymous variant. On other transcripts: non-coding transcript variant (1).
Genome position (GRCh38, 1-based): chr20:50,955,276, G>A on the plus strand (C>T on the coding strand, the complement: DPM1 is on the minus strand). VCF-style: chr20-50955276-G-A. GRCh37 (hg19) VCF-style: chr20-49571813-G-A.
Other names: c.171C>T, p.Asn57= (NM_001317034.1, NM_001317035.1, NM_001317036.1).
Identifiers: ClinVar variation 681404 (VCV000681404.9), dbSNP rs755192460, ClinGen allele CA9909199.

ClinVar aggregate classification (germline): Likely benign. Review status: criteria provided, multiple submitters, no conflicts (2 of 4 stars). 2 submissions from 2 submitters: Likely benign (2). Last evaluated 2025-03-25.

Conditions:
Congenital disorder of glycosylation type 1E (CDG1E). Also called: CDG Ie; CONGENITAL DISORDER OF GLYCOSYLATION, TYPE Ie. Identifiers: Orphanet 79322, MedGen C1837396, MONDO:0012123, OMIM 608799.

Allele frequency attached by ClinVar (database versions not stated): ExAC 0.00001; gnomAD 0.00001 and 0.00003; gnomAD exomes 0.00001; TOPMed 0.00002.
gnomAD v4.1: 16 of 1,611,052 alleles (0.00099%); highest among the groups gnomAD compares: Middle Eastern, 0.066%; no homozygotes.

Submissions (2):

Labcorp Genetics (formerly Invitae), Labcorp
Classification: Likely benign for Congenital disorder of glycosylation type 1E. Last evaluated: 2025-03-25. Review status: criteria provided, single submitter. Criteria: Invitae Variant Classification Sherloc (09022015). Collection method: clinical testing. Allele origin: germline.

GeneDx
Classification: Likely benign. Last evaluated: 2018-04-12. Review status: criteria provided, single submitter. Criteria: GeneDx Variant Classification (06012015). Collection method: clinical testing. Allele origin: germline. Affected: yes.
Comment: This variant is considered likely benign or benign based on one or more of the following criteria: it is a conservative change, it occurs at a poorly conserved position in the protein, it is predicted to be benign by multiple in silico algorithms, and/or has population frequency not consistent with disease.